The following is an entry in ClinVar:

ClinVar aggregate classification (germline): Uncertain significance (1 of 4 stars; one submission).

Submission:

ARUP Laboratories, Molecular Genetics and Genomics, ARUP Laboratories
Classification: Uncertain significance. Last evaluated: 2018-06-05. Review status: criteria provided, single submitter. Criteria: ARUP Molecular Germline Variant Investigation Process. Collection method: clinical testing. Allele origin: germline.
Comment: The FBN1 c.8055C>G; p.His2685Gln variant, to our knowledge, is not reported in the medical literature or gene specific databases. This variant is also absent from the general population databases (1000 Genomes Project, Exome Variant Server, and Genome Aggregation Database), indicating it is not a common polymorphism. Additionally, a different variant at this codon (p.His2685Arg) is reported in one individual with classical Marfan syndrome (see UMD-FBN1 database link). The histidine at codon 2685 is highly conserved and computational analyses (SIFT, PolyPhen-2) predict that this variant is deleterious. However, given the lack of clinical and functional data, the significance of the p.His2685Gln variant is uncertain at this time. REFERENCES Link to UMD-FBN1 mutations database for His2685Arg

NM_000138.5(FBN1):c.8055C>G (p.His2685Gln)

Gene: FBN1 (fibrillin 1; minus strand). Cytogenetic location: 15q21.1.
Variant type: single nucleotide variant.
Coding change: c.8055C>G on transcript NM_000138.5 (MANE Select); coding-DNA position 8055, C replaced by G.
Protein change: p.His2685Gln; replaces histidine 2685 with glutamine.
Molecular consequence: missense variant.
Genome position (GRCh38, 1-based): chr15:48,412,740, G>C on the plus strand (C>G on the coding strand, the complement: FBN1 is on the minus strand). VCF-style: chr15-48412740-G-C. GRCh37 (hg19) VCF-style: chr15-48704937-G-C.
Other names: short protein forms H2685Q.
Identifiers: ClinVar variation 618123 (VCV000618123.8), dbSNP rs1309361114, ClinGen allele CA392321661.
Genomic context (GRCh38, chr15:48,412,740, plus strand): 5'-CATTTCACCACTGACAGGTGGCTCTGGGTTTCCTCGGCCCATGCCCATTCCAGAAACACA[G>C]TGCCTGCAGCAGAAGGGGAGCATAGATGTTTTTCATTAGAATGGGAAGACAAGGTAGGTG-3'
Protein context (NP_000129.3, residues 2675-2695): PPGYFRIGQG[His2685Gln]CVSGMGMGRG